The following is an entry in ClinVar:

ClinVar aggregate classification (germline): Likely benign. Review status: criteria provided, multiple submitters, no conflicts (2 of 4 stars). 2 submissions from 2 submitters: Likely benign (2). Last evaluated 2024-11-13.

Conditions:
HCN2-related disorder. Also called: HCN2-related condition.

Submissions (2):

PreventionGenetics, part of Exact Sciences
Classification: Likely benign for HCN2-related condition. Last evaluated: 2024-11-13. Review status: criteria provided, single submitter. Criteria: ACMG Guidelines, 2015. Collection method: clinical testing. Allele origin: germline.
Comment: This variant is classified as likely benign based on ACMG/AMP sequence variant interpretation guidelines (Richards et al. 2015 PMID: 25741868, with internal and published modifications).

Blueprint Genetics
Classification: Likely benign. Last evaluated: 2024-10-01. Review status: criteria provided, single submitter. Criteria: ACMG Guidelines, 2015. Collection method: clinical testing. Allele origin: germline.

NM_001194.4(HCN2):c.837C>T (p.Pro279=)

Gene: HCN2 (hyperpolarization activated cyclic nucleotide gated potassium and sodium channel 2; plus strand). Cytogenetic location: 19p13.3.
Variant type: single nucleotide variant.
Coding change: c.837C>T on transcript NM_001194.4 (MANE Select); coding-DNA position 837, C replaced by T.
Protein change: p.Pro279=; no amino-acid change (proline 279 retained).
Molecular consequence: synonymous variant.
Genome position (GRCh38, 1-based): chr19:603,748, C>T. VCF-style: chr19-603748-C-T. GRCh37 (hg19) VCF-style: chr19-603748-C-T.
Other names: c.837C>T (NM_001194.3).
Identifiers: ClinVar variation 4939416 (VCV004939416.2).